The following is an entry in ClinVar:

NM_004937.3(CTNS):c.236del (p.Pro79fs)

Genes: CTNS (cystinosin, lysosomal cystine transporter; plus strand), CTNS-AS1 (CTNS antisense RNA 1; minus strand). Cytogenetic location: 17p13.2.
Variant type: Deletion.
Coding change: c.236del on transcript NM_004937.3 (MANE Select); coding-DNA position 236, one base deleted (C; older notation c.236delC).
Protein change: p.Pro79fs; shifts the reading frame from proline 79.
Molecular consequence: frameshift variant. On other transcripts: 5 prime UTR variant (4).
Genome position (GRCh38, 1-based): chr17:3,655,008, C deleted; the last of 2 consecutive C bases (chr17:3,655,007-3,655,008); deleting either gives the same sequence. VCF-style (leftmost placement, unchanged base first): chr17-3655006-GC-G. GRCh37 (hg19) VCF-style: chr17-3558300-GC-G.
Other names: c.236del, p.Pro79fs (NM_001031681.3, NM_001374492.1); c.-206del (NM_001374493.1, NM_001374494.1, NM_001374495.1 and 1 more transcripts); short protein forms P79fs.
Identifiers: ClinVar variation 1726980 (VCV001726980.3), dbSNP rs2076092608, ClinGen allele CA980868787.

ClinVar aggregate classification (germline): Likely pathogenic (1 of 4 stars; one submission).

Conditions:
Cystinosis. Also called: Cystine diathesis; Cystine storage disease; Cystinoses. Identifiers: Orphanet 213, MedGen C4316899, MONDO:0016239.

Submission:

Myriad Genetics, Inc.
Classification: Likely pathogenic for Cystinosis. Last evaluated: 2022-01-02. Review status: criteria provided, single submitter. Criteria: Myriad Autosomal Dominant, Autosomal Recessive and X-Linked Classification Criteria (2023). Collection method: clinical testing. Allele origin: unknown.
Comment: NM_004937.2(CTNS):c.236delC(P79Lfs*4) is expected to be pathogenic in the context of cystinosis. This variant is predicted to lead to an abnormal or absent protein product due to the creation of a premature termination codon in CTNS, a gene where loss-of-function variants are known to be pathogenic. Please note: this variant was assessed in the context of healthy population screening.